The following is an entry in ClinVar:

ClinVar aggregate classification (germline): Likely benign (1 of 4 stars; one submission).

Allele frequency attached by ClinVar (database versions not stated): gnomAD exomes 0.00003; ExAC 0.00006; gnomAD 0.00002; TOPMed 0.00002.
gnomAD v4.1: 44 of 1,546,708 alleles (0.0028%); highest among the groups gnomAD compares: Non-Finnish European, 0.0036%; no homozygotes.

Submission:

CeGaT Center for Human Genetics Tuebingen
Classification: Likely benign. Last evaluated: 2023-03-01. Review status: criteria provided, single submitter. Criteria: CeGaT Center For Human Genetics Tuebingen Variant Classification Criteria Version 2. Collection method: clinical testing. Allele origin: germline. Affected: yes. Observed: 1 variant allele.
Comment: C8orf48: BP4, BP7

NM_001007090.3(C8orf48):c.948T>C (p.Asn316=)

Genes: C8orf48 (chromosome 8 open reading frame 48; plus strand), DLC1 (DLC1 Rho GTPase activating protein; minus strand). Cytogenetic location: 8p22.
Variant type: single nucleotide variant.
Coding change: c.948T>C on transcript NM_001007090.3 (MANE Select); coding-DNA position 948, T replaced by C.
Protein change: p.Asn316=; no amino-acid change (asparagine 316 retained).
Molecular consequence: synonymous variant. On other transcripts: intron variant (2).
Genome position (GRCh38, 1-based): chr8:13,567,939, T>C. VCF-style: chr8-13567939-T-C. GRCh37 (hg19) VCF-style: chr8-13425448-T-C.
Other names: c.-1577+36598A>G (NM_001348082.2); c.-126+36598A>G (NM_001348081.2).
Identifiers: ClinVar variation 2658438 (VCV002658438.22), dbSNP rs756304478, ClinGen allele CA4639716.
Genomic context (GRCh38, chr8:13,567,939, plus strand): 5'-ATTTTCTCTGCCATTTCTCAAGCGACTTACTCTAATCAAACCAGAGCTGGTGATTGTTAA[T>C]GATAATGTGTAATGTGGATAGATGTCTTTGTTGTGTATTTGAGTAATTACCATAATTTCT-3'
Protein context (NP_001007091.2, residues 306-319): TLIKPELVIV[Asn316=]DNV